The following is an entry in ClinVar:

NM_002661.5(PLCG2):c.432-1G>T

Gene: PLCG2 (phospholipase C gamma 2; plus strand). Cytogenetic location: 16q23.3.
Variant type: single nucleotide variant.
Coding change: c.432-1G>T on transcript NM_002661.5 (MANE Select); the canonical splice acceptor site of the intron before coding-DNA position 432, G replaced by T.
Molecular consequence: splice acceptor variant.
Genome position (GRCh38, 1-based): chr16:81,859,115, G>T. VCF-style: chr16-81859115-G-T. GRCh37 (hg19) VCF-style: chr16-81892720-G-T.
Other names: c.432-1G>T (NM_001425751.1, NM_001425749.1, NM_001425750.1).
Identifiers: ClinVar variation 4722753 (VCV004722753.1).
Genomic context (GRCh38, chr16:81,859,115, plus strand): 5'-GACTTGTGCTATTTTCTAATTTTCTCTTTCTCTCTTTCTTTTGTCTCATATTTCTTTCCA[G>T]TTGGCTGAGAAAGCAGATATATTCTGTGGATCAAACCAGAAGAAACAGGTAAGAGTCATT-3'

ClinVar aggregate classification (germline): Uncertain significance (1 of 4 stars; one submission).

Conditions:
Familial cold autoinflammatory syndrome 3 (FCAS3). Also called: FAMILIAL ATYPICAL COLD URTICARIA; ANTIBODY DEFICIENCY AND IMMUNE DYSREGULATION, PLCG2-ASSOCIATED. Identifiers: Orphanet 300359, MedGen C3280914, MONDO:0013766, OMIM 614468.

Submission:

Labcorp Genetics (formerly Invitae), Labcorp
Classification: Uncertain significance for Familial cold autoinflammatory syndrome 3. Last evaluated: 2025-07-14. Review status: criteria provided, single submitter. Criteria: Invitae Variant Classification Sherloc (09022015). Collection method: clinical testing. Allele origin: germline.
Comment: This sequence change affects an acceptor splice site in intron 4 of the PLCG2 gene. It is expected to disrupt RNA splicing. Variants that disrupt the donor or acceptor splice site typically lead to a loss of protein function (PMID: 16199547), however the current clinical and genetic evidence is not sufficient to establish whether loss-of-function variants in PLCG2 cause disease. This variant is not present in population databases (gnomAD no frequency). This variant has not been reported in the literature in individuals affected with PLCG2-related conditions. Algorithms developed to predict the effect of sequence changes on RNA splicing suggest that this variant may disrupt the consensus splice site. In summary, the available evidence is currently insufficient to determine the role of this variant in disease. Therefore, it has been classified as a Variant of Uncertain Significance.

Literature cited by the submitters: PubMed 16199547.